The following is an entry in ClinVar:

NM_080669.6(SLC46A1):c.341G>T (p.Arg114Leu)

Gene: SLC46A1 (solute carrier family 46 member 1; minus strand). Cytogenetic location: 17q11.2.
Variant type: single nucleotide variant.
Coding change: c.341G>T on transcript NM_080669.6 (MANE Select); coding-DNA position 341, G replaced by T.
Protein change: p.Arg114Leu; replaces arginine 114 with leucine.
Molecular consequence: missense variant.
Genome position (GRCh38, 1-based): chr17:28,405,356, C>A on the plus strand (G>T on the coding strand, the complement: SLC46A1 is on the minus strand). VCF-style: chr17-28405356-C-A. GRCh37 (hg19) VCF-style: chr17-26732374-C-A.
Other names: c.341G>T, p.Arg114Leu (NM_001242366.3); short protein forms R114L.
Identifiers: ClinVar variation 1479192 (VCV001479192.6), dbSNP rs369959215, ClinGen allele CA8458346.
Genomic context (GRCh38, chr17:28,405,356, plus strand): 5'-ACAAAAACGGACACTAGGGCCTGGAGCAGCAGGCCCAGCGAGGCCAGCACTAGCAGCGGG[C>A]GGCGGCCCACACTGTCGCTCCAAGCTCCCAGCAGGGTGGACGAGAAGAGCCCCACCAGGA-3'
Protein context (NP_542400.2, residues 104-124): LGAWSDSVGR[Arg114Leu]PLLVLASLGL

ClinVar aggregate classification (germline): Uncertain significance. Review status: criteria provided, multiple submitters, no conflicts (2 of 4 stars). 3 submissions from 3 submitters: Uncertain significance (3). Last evaluated 2024-10-25.

Conditions:
Congenital defect of folate absorption. Also called: Hereditary Folate Malabsorption. Identifiers: Orphanet 90045, MedGen C0342705, MONDO:0009238, OMIM 229050.

Allele frequency attached by ClinVar (database versions not stated): gnomAD 0.00004; gnomAD exomes 0.00008; 1000 Genomes Project 30x 0.00016.
gnomAD v4.1: 68 of 1,585,540 alleles (0.0043%); highest among the groups gnomAD compares: Middle Eastern, 0.033%; no homozygotes.

Submissions (3):

Blueprint Genetics
Classification: Uncertain significance. Last evaluated: 2024-10-25. Review status: criteria provided, single submitter. Criteria: ACMG Guidelines, 2015. Collection method: clinical testing. Allele origin: germline.

Labcorp Genetics (formerly Invitae), Labcorp
Classification: Uncertain significance. Last evaluated: 2023-12-18. Review status: criteria provided, single submitter. Criteria: Invitae Variant Classification Sherloc (09022015). Collection method: clinical testing. Allele origin: germline.
Comment: This sequence change replaces arginine, which is basic and polar, with leucine, which is neutral and non-polar, at codon 114 of the SLC46A1 protein (p.Arg114Leu). This variant is present in population databases (rs369959215, gnomAD 0.02%). This variant has not been reported in the literature in individuals affected with SLC46A1-related conditions. ClinVar contains an entry for this variant (Variation ID: 1479192). Advanced modeling of protein sequence and biophysical properties (such as structural, functional, and spatial information, amino acid conservation, physicochemical variation, residue mobility, and thermodynamic stability) has been performed at Invitae for this missense variant, however the output from this modeling did not meet the statistical confidence thresholds required to predict the impact of this variant on SLC46A1 protein function. In summary, the available evidence is currently insufficient to determine the role of this variant in disease. Therefore, it has been classified as a Variant of Uncertain Significance.

Fulgent Genetics
Classification: Uncertain significance for Congenital defect of folate absorption. Last evaluated: 2022-04-18. Review status: criteria provided, single submitter. Criteria: ACMG Guidelines, 2015. Collection method: clinical testing. Allele origin: unknown.